The following is an entry in ClinVar:

ClinVar aggregate classification (germline): Uncertain significance (1 of 4 stars; one submission).

gnomAD v4.1: 4 of 1,378,056 alleles (0.00029%); highest among the groups gnomAD compares: Admixed American, 0.0036%; no homozygotes.

Submission:

Labcorp Genetics (formerly Invitae), Labcorp
Classification: Uncertain significance. Last evaluated: 2024-10-21. Review status: criteria provided, single submitter. Criteria: Invitae Variant Classification Sherloc (09022015). Collection method: clinical testing. Allele origin: germline.
Comment: This sequence change affects codon 449 of the MAGEL2 mRNA. It is a 'silent' change, meaning that it does not change the encoded amino acid sequence of the MAGEL2 protein. This variant is not present in population databases (gnomAD no frequency). This variant has not been reported in the literature in individuals affected with MAGEL2-related conditions. In summary, the available evidence is currently insufficient to determine the role of this variant in disease. Therefore, it has been classified as a Variant of Uncertain Significance.

NM_019066.5(MAGEL2):c.1347C>A (p.Pro449=)

Gene: MAGEL2 (MAGE family member L2; minus strand). Cytogenetic location: 15q11.2.
Variant type: single nucleotide variant.
Coding change: c.1347C>A on transcript NM_019066.5 (MANE Select); coding-DNA position 1347, C replaced by A.
Protein change: p.Pro449=; no amino-acid change (proline 449 retained).
Molecular consequence: synonymous variant.
Genome position (GRCh38, 1-based): chr15:23,646,396, G>T on the plus strand (C>A on the coding strand, the complement: MAGEL2 is on the minus strand). VCF-style: chr15-23646396-G-T. GRCh37 (hg19) VCF-style: chr15-23891543-G-T.
Identifiers: ClinVar variation 3673923 (VCV003673923.2).